The following is an entry in ClinVar:

ClinVar aggregate classification (germline): Uncertain significance. Review status: criteria provided, multiple submitters, no conflicts (2 of 4 stars). 2 submissions from 2 submitters: Uncertain significance (2). Last evaluated 2022-09-06.

Allele frequency attached by ClinVar (database versions not stated): gnomAD exomes below 0.00001; ExAC 0.00001; gnomAD 0.00001; TOPMed 0.00002.
gnomAD v4.1: 6 of 1,613,910 alleles (0.00037%); highest among the groups gnomAD compares: Non-Finnish European, 0.00042%; no homozygotes.

Submissions (2):

Labcorp Genetics (formerly Invitae), Labcorp
Classification: Uncertain significance. Last evaluated: 2022-09-06. Review status: criteria provided, single submitter. Criteria: Invitae Variant Classification Sherloc (09022015). Collection method: clinical testing. Allele origin: germline.
Comment: This sequence change replaces lysine, which is basic and polar, with glutamic acid, which is acidic and polar, at codon 487 of the SLC24A1 protein (p.Lys487Glu). This variant is present in population databases (rs745977526, gnomAD 0.007%). This variant has not been reported in the literature in individuals affected with SLC24A1-related conditions. ClinVar contains an entry for this variant (Variation ID: 1015154). Algorithms developed to predict the effect of missense changes on protein structure and function are either unavailable or do not agree on the potential impact of this missense change (SIFT: "Deleterious"; PolyPhen-2: "Possibly Damaging"; Align-GVGD: "Class C0"). In summary, the available evidence is currently insufficient to determine the role of this variant in disease. Therefore, it has been classified as a Variant of Uncertain Significance.

Blueprint Genetics
Classification: Uncertain significance. Last evaluated: 2019-02-28. Review status: criteria provided, single submitter. Criteria: ACMG Guidelines, 2015. Collection method: clinical testing. Allele origin: germline.

NM_004727.3(SLC24A1):c.1459A>G (p.Lys487Glu)

Gene: SLC24A1 (solute carrier family 24 member 1; plus strand). Cytogenetic location: 15q22.31.
Variant type: single nucleotide variant.
Coding change: c.1459A>G on transcript NM_004727.3 (MANE Select); coding-DNA position 1459, A replaced by G.
Protein change: p.Lys487Glu; replaces lysine 487 with glutamic acid.
Molecular consequence: missense variant.
Genome position (GRCh38, 1-based): chr15:65,625,539, A>G. VCF-style: chr15-65625539-A-G. GRCh37 (hg19) VCF-style: chr15-65917877-A-G.
Other names: c.1459A>G, p.Lys487Glu (NM_001301031.1, NM_001301032.1, NM_001301033.2); short protein forms K487E.
Identifiers: ClinVar variation 1015154 (VCV001015154.7), dbSNP rs745977526, ClinGen allele CA7619914.